The following is an entry in ClinVar:

NM_205861.3(DHDDS):c.514G>C (p.Gly172Arg)

Gene: DHDDS (dehydrodolichyl diphosphate synthase subunit; plus strand). Cytogenetic location: 1p36.11.
Variant type: single nucleotide variant.
Coding change: c.514G>C on transcript NM_205861.3 (MANE Select); coding-DNA position 514, G replaced by C.
Protein change: p.Gly172Arg; replaces glycine 172 with arginine.
Molecular consequence: missense variant. On other transcripts: intron variant (1).
Genome position (GRCh38, 1-based): chr1:26,447,632, G>C. VCF-style: chr1-26447632-G-C. GRCh37 (hg19) VCF-style: chr1-26774123-G-C.
Other names: c.397G>C, p.Gly133Arg (NM_001243565.2); c.235G>C, p.Gly79Arg (NM_001319959.2); c.514G>C, p.Gly172Arg (NM_024887.4); c.440+1200G>C (NM_001243564.2); short protein forms G79R, G172R, G133R.
Identifiers: ClinVar variation 3004968 (VCV003004968.3), dbSNP rs1403178101, ClinGen allele CA339143394.

ClinVar aggregate classification (germline): Uncertain significance (1 of 4 stars; one submission).

Conditions:
Retinitis pigmentosa 59 (RP59). Identifiers: Orphanet 791, MedGen C3151227, MONDO:0013468, OMIM 613861.

gnomAD v4.1: 3 of 1,614,162 alleles (0.00019%); highest among the groups gnomAD compares: Non-Finnish European, 0.00025%; no homozygotes.

Submission:

Labcorp Genetics (formerly Invitae), Labcorp
Classification: Uncertain significance for Retinitis pigmentosa 59. Last evaluated: 2025-07-10. Review status: criteria provided, single submitter. Criteria: Invitae Variant Classification Sherloc (09022015). Collection method: clinical testing. Allele origin: germline.
Comment: This sequence change replaces glycine, which is neutral and non-polar, with arginine, which is basic and polar, at codon 172 of the DHDDS protein (p.Gly172Arg). This variant is not present in population databases (gnomAD no frequency). This variant has not been reported in the literature in individuals affected with DHDDS-related conditions. ClinVar contains an entry for this variant (Variation ID: 3004968). Invitae Evidence Modeling of protein sequence and biophysical properties (such as structural, functional, and spatial information, amino acid conservation, physicochemical variation, residue mobility, and thermodynamic stability) indicates that this missense variant is not expected to disrupt DHDDS protein function with a negative predictive value of 80%. In summary, the available evidence is currently insufficient to determine the role of this variant in disease. Therefore, it has been classified as a Variant of Uncertain Significance.